The following is an entry in ClinVar:

NM_015102.5(NPHP4):c.2752C>T (p.Arg918Trp)

Gene: NPHP4 (nephrocystin 4; minus strand). Cytogenetic location: 1p36.31.
Variant type: single nucleotide variant.
Coding change: c.2752C>T on transcript NM_015102.5 (MANE Select); coding-DNA position 2752, C replaced by T.
Protein change: p.Arg918Trp; replaces arginine 918 with tryptophan.
Molecular consequence: missense variant. On other transcripts: non-coding transcript variant (1).
Genome position (GRCh38, 1-based): chr1:5,877,158, G>A on the plus strand (C>T on the coding strand, the complement: NPHP4 is on the minus strand). VCF-style: chr1-5877158-G-A. GRCh37 (hg19) VCF-style: chr1-5937218-G-A.
Other names: c.1213C>T, p.Arg405Trp (NM_001291593.2); c.1216C>T, p.Arg406Trp (NM_001291594.2); short protein forms R918W, R405W, R406W.
Identifiers: ClinVar variation 874130 (VCV000874130.12), dbSNP rs767779934, ClinGen allele CA553945.

ClinVar aggregate classification (germline): Uncertain significance. Review status: criteria provided, multiple submitters, no conflicts (2 of 4 stars). 5 submissions from 4 submitters: Uncertain significance (5). Last evaluated 2024-08-28.

Conditions:
Nephronophthisis 4 (NPHP4). Also called: NEPHRONOPHTHISIS 4, JUVENILE. Identifiers: Orphanet 655, MedGen C1847013, MONDO:0011752, OMIM 606966.
Senior-Loken syndrome 4 (SLSN4). Identifiers: Orphanet 3156, MedGen C1846979, MONDO:0011756, OMIM 606996.
Nephronophthisis. Also called: Juvenile Nephronophthisis. Identifiers: Orphanet 655, MedGen C0687120, MONDO:0019005, HP:0000090.
Inborn genetic diseases. Identifiers: MedGen C0950123, MeSH D030342.

Allele frequency attached by ClinVar (database versions not stated): gnomAD 0.00003 and 0.00004; TOPMed 0.00004.
gnomAD v4.1: 28 of 1,604,550 alleles (0.0017%); highest among the groups gnomAD compares: South Asian, 0.0033%; no homozygotes.

Submissions (5):

Ambry Genetics
Classification: Uncertain significance for Inborn genetic diseases. Last evaluated: 2024-08-28. Review status: criteria provided, single submitter. Criteria: Ambry Variant Classification Scheme 2023. Collection method: clinical testing. Allele origin: germline.

Labcorp Genetics (formerly Invitae), Labcorp
Classification: Uncertain significance for Nephronophthisis. Last evaluated: 2022-07-12. Review status: criteria provided, single submitter. Criteria: Invitae Variant Classification Sherloc (09022015). Collection method: clinical testing. Allele origin: germline.
Comment: This sequence change replaces arginine, which is basic and polar, with tryptophan, which is neutral and slightly polar, at codon 918 of the NPHP4 protein (p.Arg918Trp). This variant is present in population databases (rs767779934, gnomAD 0.009%). This variant has not been reported in the literature in individuals affected with NPHP4-related conditions. ClinVar contains an entry for this variant (Variation ID: 874130). Algorithms developed to predict the effect of missense changes on protein structure and function are either unavailable or do not agree on the potential impact of this missense change (SIFT: "Tolerated"; PolyPhen-2: "Probably Damaging"; Align-GVGD: "Class C0"). Algorithms developed to predict the effect of sequence changes on RNA splicing suggest that this variant may create or strengthen a splice site. In summary, the available evidence is currently insufficient to determine the role of this variant in disease. Therefore, it has been classified as a Variant of Uncertain Significance.

Fulgent Genetics
Classification: Uncertain significance for Nephronophthisis 4; Senior-Loken syndrome 4. Last evaluated: 2022-01-27. Review status: criteria provided, single submitter. Criteria: ACMG Guidelines, 2015. Collection method: clinical testing. Allele origin: unknown.

Illumina Laboratory Services, Illumina
Classification: Uncertain significance for Senior-Loken syndrome 4. Last evaluated: 2018-01-13. Review status: criteria provided, single submitter. Criteria: ICSL Variant Classification Criteria 13 December 2019. Collection method: clinical testing. Allele origin: germline.

Illumina Laboratory Services, Illumina
Classification: Uncertain significance for Nephronophthisis 4. Last evaluated: 2018-01-13. Review status: criteria provided, single submitter. Criteria: ICSL Variant Classification Criteria 13 December 2019. Collection method: clinical testing. Allele origin: germline.